The following is an entry in ClinVar:

NM_000059.4(BRCA2):c.3482A>G (p.Asp1161Gly)

Gene: BRCA2 (BRCA2 DNA repair associated; plus strand). Cytogenetic location: 13q13.1.
Variant type: single nucleotide variant.
Coding change: c.3482A>G on transcript NM_000059.4 (MANE Select); coding-DNA position 3482, A replaced by G.
Protein change: p.Asp1161Gly; replaces aspartic acid 1161 with glycine.
Molecular consequence: missense variant.
Genome position (GRCh38, 1-based): chr13:32,337,837, A>G. VCF-style: chr13-32337837-A-G. GRCh37 (hg19) VCF-style: chr13-32911974-A-G.
Other names: short protein forms D1161G.
Identifiers: ClinVar variation 409539 (VCV000409539.18), dbSNP rs1060502458, ClinGen allele CA16614289.
Genomic context (GRCh38, chr13:32,337,837, plus strand): 5'-CATTTGAAGTGCCTGAAAACCAGATGACTATCTTAAAGACCACTTCTGAGGAATGCAGAG[A>G]TGCTGATCTTCATGTCATAATGAATGCCCCATCGATTGGTCAGGTAGACAGCAGCAAGCA-3'
Protein context (NP_000050.3, residues 1151-1171): ILKTTSEECR[Asp1161Gly]ADLHVIMNAP

ClinVar aggregate classification (germline): Conflicting classifications of pathogenicity. Review status: criteria provided, conflicting classifications (1 of 4 stars). 5 submissions from 5 submitters: Uncertain significance (3); Likely benign (2). Last evaluated 2025-11-01.

Conditions:
Hereditary breast ovarian cancer syndrome. Also called: Hereditary breast and ovarian cancer; Hereditary breast and/or ovarian cancer syndrome; BRCA1- and BRCA2-Associated Hereditary Breast and Ovarian Cancer; Hereditary breast and ovarian cancer syndrome; Hereditary breast and ovarian cancer syndrome (HBOC); Breast and ovarian cancer. Identifiers: Orphanet 145, MedGen C0677776, MeSH D061325, MONDO:0003582. Disease mechanism: loss of function.
Hereditary cancer-predisposing syndrome. Also called: Tumor predisposition; Hereditary Cancer Syndrome; Hereditary neoplastic syndrome; Neoplastic Syndromes, Hereditary. Identifiers: Orphanet 140162, MedGen C0027672, MeSH D009386, MONDO:0015356.

Allele frequency attached by ClinVar (database versions not stated): gnomAD exomes below 0.00001; gnomAD 0.00001; TOPMed 0.00001.

Submissions (5):

Ambry Genetics
Classification: Uncertain significance for Hereditary cancer-predisposing syndrome. Last evaluated: 2025-11-01. Review status: criteria provided, single submitter. Criteria: Ambry Variant Classification Scheme 2023. Collection method: clinical testing. Allele origin: germline.
Comment: The p.D1161G variant (also known as c.3482A>G), located in coding exon 10 of the BRCA2 gene, results from an A to G substitution at nucleotide position 3482. The aspartic acid at codon 1161 is replaced by glycine, an amino acid with similar properties. This amino acid position is not well conserved in available vertebrate species. In addition, this alteration is predicted to be tolerated by in silico analysis. Since supporting evidence is limited at this time, the clinical significance of this alteration remains unclear.

Labcorp Genetics (formerly Invitae), Labcorp
Classification: Likely benign for Hereditary breast ovarian cancer syndrome. Last evaluated: 2025-10-25. Review status: criteria provided, single submitter. Criteria: Invitae Variant Classification Sherloc (09022015). Collection method: clinical testing. Allele origin: germline.

Women's Health and Genetics/Laboratory Corporation of America, LabCorp
Classification: Uncertain significance. Last evaluated: 2024-01-08. Review status: criteria provided, single submitter. Criteria: LabCorp Variant Classification Summary - May 2015. Collection method: clinical testing. Allele origin: germline.
Comment: Variant summary: BRCA2 c.3482A>G (p.Asp1161Gly) results in a non-conservative amino acid change in the encoded protein sequence. Three of five in-silico tools predict a benign effect of the variant on protein function. The variant was absent in 250870 control chromosomes (gnomAD). The available data on variant occurrences in the general population are insufficient to allow any conclusion about variant significance. c.3482A>G has been reported in the literature in at least one individual affected with esophageal squamous cell carcinoma (e.g., Ko_2020). These report(s) do not provide unequivocal conclusions about association of the variant with Hereditary Breast And Ovarian Cancer Syndrome. To our knowledge, no experimental evidence demonstrating an impact on protein function has been reported. The following publication was ascertained in the context of this evaluation (PMID: 31396961). ClinVar contains an entry for this variant (Variation ID: 409539). Based on the evidence outlined above, the variant was classified as uncertain significance.

University of Washington Department of Laboratory Medicine, University of Washington
Classification: Likely benign for Hereditary cancer-predisposing syndrome. Last evaluated: 2023-03-23. Review status: criteria provided, single submitter. Criteria: Dines et al. (Genet Med. 2020). Collection method: curation. Allele origin: germline.
Comment: Missense variant in a coldspot region where missense variants are very unlikely to be pathogenic (PMID:31911673).

BRCA2 exon 11 coldspot. Reclassification based on statistical prior probability.

GeneDx
Classification: Uncertain significance. Last evaluated: 2022-09-15. Review status: criteria provided, single submitter. Criteria: GeneDx Variant Classification Process June 2021. Collection method: clinical testing. Allele origin: germline. Affected: yes.
Comment: Not observed at significant frequency in large population cohorts (gnomAD); In silico analysis supports that this missense variant has a deleterious effect on protein structure/function; Has not been previously published as pathogenic or benign to our knowledge; Also known as 3710A>G

Literature cited by the submitters: PubMed 31396961 (cited by Women's Health and Genetics/Laboratory Corporation of America, LabCorp).